The following is an entry in ClinVar:

ClinVar aggregate classification (germline): Uncertain significance (1 of 4 stars; one submission).

Conditions:
Cone-rod dystrophy and hearing loss. Identifiers: MedGen CN263092, MONDO:0014980.

Submission:

Lab De Baere, Eye and Developmental Genetics Lab, Ghent University
Classification: Uncertain significance for Cone-rod dystrophy and hearing loss. Last evaluated: 2024-10-01. Review status: criteria provided, single submitter. Criteria: ACMG Guidelines, 2015. Collection method: research. Allele origin: inherited. Affected: yes. Observed: 1 variant allele.
Comment: ACMG/AMP guidelines: PM2, PP4_PP, PM3_1

NM_001330691.3(CEP78):c.515T>G (p.Ile172Arg)

Gene: CEP78 (centrosomal protein 78; plus strand). Cytogenetic location: 9q21.2.
Variant type: single nucleotide variant.
Coding change: c.515T>G on transcript NM_001330691.3 (MANE Select); coding-DNA position 515, T replaced by G.
Protein change: p.Ile172Arg; replaces isoleucine 172 with arginine.
Molecular consequence: missense variant.
Genome position (GRCh38, 1-based): chr9:78,241,711, T>G. VCF-style: chr9-78241711-T-G. GRCh37 (hg19) VCF-style: chr9-80856627-T-G.
Other names: c.515T>G, p.Ile172Arg (NM_001098802.3, NM_001330693.3, NM_001330694.2 and 4 more transcripts); short protein forms I172R.
Identifiers: ClinVar variation 3544443 (VCV003544443.1).